The following is an entry in ClinVar:

ClinVar aggregate classification (germline): Likely benign. Review status: criteria provided, multiple submitters, no conflicts (2 of 4 stars). 2 submissions from 2 submitters: Likely benign (2). Last evaluated 2025-08-31.

Conditions:
NR0B2-related disorder. Also called: NR0B2-related condition.

gnomAD v4.1: 3 of 1,512,550 alleles (0.0002%); highest among the groups gnomAD compares: Non-Finnish European, 0.00027%; no homozygotes.

Submissions (2):

PreventionGenetics, part of Exact Sciences
Classification: Likely benign for NR0B2-related condition. Last evaluated: 2025-08-31. Review status: criteria provided, single submitter. Criteria: ACMG Guidelines, 2015. Collection method: clinical testing. Allele origin: germline.
Comment: This variant is classified as likely benign based on ACMG/AMP sequence variant interpretation guidelines (Richards et al. 2015 PMID: 25741868, with internal and published modifications).

Blueprint Genetics
Classification: Likely benign. Last evaluated: 2023-06-01. Review status: criteria provided, single submitter. Criteria: ACMG Guidelines, 2015. Collection method: clinical testing. Allele origin: germline.

NM_021969.3(NR0B2):c.118C>T (p.Leu40=)

Genes: NR0B2 (nuclear receptor subfamily 0 group B member 2; minus strand), NUDC (nuclear distribution C, dynein complex regulator; plus strand). Cytogenetic location: 1p36.11.
Variant type: single nucleotide variant.
Coding change: c.118C>T on transcript NM_021969.3 (MANE Select); coding-DNA position 118, C replaced by T.
Protein change: p.Leu40=; no amino-acid change (leucine 40 retained).
Molecular consequence: synonymous variant.
Genome position (GRCh38, 1-based): chr1:26,913,823, G>A on the plus strand (C>T on the coding strand, the complement: NR0B2 is on the minus strand). VCF-style: chr1-26913823-G-A. GRCh37 (hg19) VCF-style: chr1-27240314-G-A.
Other names: c.118C>T (NM_021969.2).
Identifiers: ClinVar variation 4964206 (VCV004964206.2).